The following is an entry in ClinVar:

NM_000038.6(APC):c.1275A>C (p.Glu425Asp)

Gene: APC (APC regulator of Wnt signaling pathway; plus strand). Cytogenetic location: 5q22.2.
Variant type: single nucleotide variant.
Coding change: c.1275A>C on transcript NM_000038.6 (MANE Select); coding-DNA position 1275, A replaced by C.
Protein change: p.Glu425Asp; replaces glutamic acid 425 with aspartic acid.
Molecular consequence: missense variant. On other transcripts: non-coding transcript variant (2).
Genome position (GRCh38, 1-based): chr5:112,819,307, A>C. VCF-style: chr5-112819307-A-C. GRCh37 (hg19) VCF-style: chr5-112155004-A-C.
Other names: c.1221A>C, p.Glu407Asp (NM_001127511.3); c.1275A>C, p.Glu425Asp (NM_001354895.2, NM_001354896.2, NM_001127510.3 and 4 more transcripts); c.1305A>C, p.Glu435Asp (NM_001354897.2, NM_001407446.1); c.1200A>C, p.Glu400Asp (NM_001354898.2, NM_001407451.1); c.1191A>C, p.Glu397Asp (NM_001354899.2, NM_001407452.1); c.1098A>C, p.Glu366Asp (NM_001354900.2, NM_001354901.2, NM_001407453.1); c.1002A>C, p.Glu334Asp (NM_001354902.2); c.972A>C, p.Glu324Asp (NM_001407454.1, NM_001407455.1, NM_001407456.1 and 5 more transcripts); and 5 more; short protein forms E265D, E299D, E334D, E400D, E324D, E435D, E296D, E397D.
Identifiers: ClinVar variation 4121093 (VCV004121093.1).

ClinVar aggregate classification (germline): Uncertain significance (1 of 4 stars; one submission).

Conditions:
Hereditary cancer-predisposing syndrome. Also called: Hereditary neoplastic syndrome; Neoplastic Syndromes, Hereditary; Tumor predisposition; Hereditary Cancer Syndrome. Identifiers: Orphanet 140162, MedGen C0027672, MeSH D009386, MONDO:0015356.

Submission:

Ambry Genetics
Classification: Uncertain significance for Hereditary cancer-predisposing syndrome. Last evaluated: 2025-07-25. Review status: criteria provided, single submitter. Criteria: Ambry Variant Classification Scheme 2023. Collection method: clinical testing. Allele origin: germline.
Comment: The p.E425D variant (also known as c.1275A>C), located in coding exon 9 of the APC gene, results from an A to C substitution at nucleotide position 1275. The glutamic acid at codon 425 is replaced by aspartic acid, an amino acid with highly similar properties. This amino acid position is conserved. In addition, in silico predictors for this gene do not accurately predict pathogenicity. Based on the available evidence, the clinical significance of this variant remains unclear.